The following is an entry in ClinVar:

ClinVar aggregate classification (germline): Pathogenic (1 of 4 stars; one submission).

Submission:

Labcorp Genetics (formerly Invitae), Labcorp
Classification: Pathogenic. Last evaluated: 2025-12-01. Review status: criteria provided, single submitter. Criteria: Invitae Variant Classification Sherloc (09022015). Collection method: clinical testing. Allele origin: germline.
Comment: This sequence change creates a premature translational stop signal (p.Phe139Leufs*2) in the HPS5 gene. It is expected to result in an absent or disrupted protein product. Loss-of-function variants in HPS5 are known to be pathogenic (PMID: 12548288, 15296495, 21833017, 26785811). This variant is not present in population databases (gnomAD no frequency). This variant has not been reported in the literature in individuals affected with HPS5-related conditions. Algorithms developed to predict the effect of sequence changes on RNA splicing suggest that this variant may disrupt the consensus splice site. For these reasons, this variant has been classified as Pathogenic.

Literature cited by the submitters: PubMed 12548288; PubMed 15296495; PubMed 21833017; PubMed 26785811.

NM_181507.2(HPS5):c.417del (p.Phe139fs)

Gene: HPS5 (HPS5 biogenesis of lysosomal organelles complex 2 subunit 2; minus strand). Cytogenetic location: 11p15.1.
Variant type: Deletion.
Coding change: c.417del on transcript NM_181507.2 (MANE Select); coding-DNA position 417, one base deleted (T; older notation c.417delT).
Protein change: p.Phe139fs; shifts the reading frame from phenylalanine 139.
Molecular consequence: frameshift variant.
Genome position (GRCh38, 1-based): chr11:18,310,801, A deleted on the plus strand (T on the coding strand, the reverse complement: HPS5 is on the minus strand); the first of 5 consecutive A bases (chr11:18,310,801-18,310,805); deleting any one gives the same sequence. VCF-style (leftmost placement, unchanged base first): chr11-18310800-CA-C. GRCh37 (hg19) VCF-style: chr11-18332347-CA-C.
Other names: c.417del, p.Phe139fs (NM_001440902.1, NM_001440903.1, NM_001440904.1 and 6 more transcripts); c.342del, p.Phe114fs (NM_001440907.1, NM_001440908.1, NM_001440909.1); c.306del, p.Phe102fs (NM_001440913.1, NM_001440914.1, NM_001440915.1); c.231del, p.Phe77fs (NM_001440918.1); c.75del, p.Phe25fs (NM_001440920.1, NM_001440921.1, NM_001440922.1 and 10 more transcripts); short protein forms F77fs, F102fs, F25fs, F114fs, F139fs.
Identifiers: ClinVar variation 4762701 (VCV004762701.1).
Genomic context (GRCh38, chr11:18,310,800, plus strand): 5'-CCTTTGCTTGTTTAGAAGTATTGAGTTTGATAGCAGAAACCTTCCCAGCATGATCACCTA[CA>C]AAAACTCTAAGAATAGCTGTATCCCAGCAGAGAGCTGTGACTCTTCGGCCTTTGTGTTCT-3'